The following is an entry in ClinVar:

NM_001378328.1(CELSR1):c.370G>A (p.Gly124Ser)

Gene: CELSR1 (cadherin EGF LAG seven-pass G-type receptor 1; minus strand). Cytogenetic location: 22q13.31.
Variant type: single nucleotide variant.
Coding change: c.370G>A on transcript NM_001378328.1 (MANE Select); coding-DNA position 370, G replaced by A.
Protein change: p.Gly124Ser; replaces glycine 124 with serine.
Molecular consequence: missense variant.
Genome position (GRCh38, 1-based): chr22:46,536,801, C>T on the plus strand (G>A on the coding strand, the complement: CELSR1 is on the minus strand). VCF-style: chr22-46536801-C-T. GRCh37 (hg19) VCF-style: chr22-46932698-C-T.
Other names: c.370G>A, p.Gly124Ser (NM_014246.4); short protein forms G124S.
Identifiers: ClinVar variation 2354173 (VCV002354173.3), dbSNP rs760248718, ClinGen allele CA10295674.

ClinVar aggregate classification (germline): Conflicting classifications of pathogenicity. Review status: criteria provided, conflicting classifications (1 of 4 stars). 2 submissions from 2 submitters: Uncertain significance (1); Likely benign (1). Last evaluated 2025-10-12.

Conditions:
CELSR1-related disorder. Also called: CELSR1-related condition.

Allele frequency attached by ClinVar (database versions not stated): TOPMed 0.00048; gnomAD 0.00093.
gnomAD v4.1: 1,202 of 1,194,508 alleles (0.1%); highest among the groups gnomAD compares: Non-Finnish European, 0.097%; 2 homozygotes.

Submissions (2):

PreventionGenetics, part of Exact Sciences
Classification: Likely benign for CELSR1-related condition. Last evaluated: 2025-10-12. Review status: criteria provided, single submitter. Criteria: ACMG Guidelines, 2015. Collection method: clinical testing. Allele origin: germline.
Comment: This variant is classified as likely benign based on ACMG/AMP sequence variant interpretation guidelines (Richards et al. 2015 PMID: 25741868, with internal and published modifications).

Ambry Genetics
Classification: Uncertain significance. Last evaluated: 2021-11-29. Review status: criteria provided, single submitter. Criteria: Ambry Variant Classification Scheme 2023. Collection method: clinical testing. Allele origin: germline.